The following is an entry in ClinVar:

ClinVar aggregate classification (germline): Benign/Likely benign. Review status: criteria provided, multiple submitters, no conflicts (2 of 4 stars). 9 submissions from 9 submitters: Benign (1); Likely benign (5). 3 of the submissions do not count toward it. Last evaluated 2026-09-01.

Conditions:
Dystonia 28, childhood-onset (DYT28). Also called: KMT2B-Related Dystonia (DYT-KMT2B). Identifiers: Orphanet 589618, MedGen C4310633, MONDO:0015004, OMIM 617284.
Intellectual developmental disorder, autosomal dominant 68 (MRD68). Also called: MENTAL RETARDATION, AUTOSOMAL DOMINANT 68. Identifiers: MedGen C5677008, MONDO:0030969, OMIM 619934.
Inborn genetic diseases. Identifiers: MedGen C0950123, MeSH D030342.
KMT2B-related disorder. Also called: KMT2B-related condition; KMT2B-related disorders. Identifiers: MedGen CN381338.

Allele frequency attached by ClinVar (database versions not stated): gnomAD 0.00140 and 0.00109; gnomAD exomes 0.00177 and 0.00121; ESP Exome Variant Server 0.00208; 1000 Genomes Project 30x 0.00078; ExAC 0.00096; 1000 Genomes Project 0.00100.

Submissions (9):

CeGaT Center for Human Genetics Tuebingen
Classification: Likely benign. Last evaluated: 2026-09-01. Review status: criteria provided, single submitter. Criteria: CeGaT Center For Human Genetics Tuebingen Variant Classification Criteria Version 2. Collection method: clinical testing. Allele origin: germline. Affected: yes. Observed: 8 variant alleles.
Comment: KMT2B: PM4, BS2

Labcorp Genetics (formerly Invitae), Labcorp
Classification: Likely benign. Last evaluated: 2026-01-24. Review status: criteria provided, single submitter. Criteria: Invitae Variant Classification Sherloc (09022015). Collection method: clinical testing. Allele origin: germline.

Ambry Genetics
Classification: Likely benign for Inborn genetic diseases. Last evaluated: 2025-09-19. Review status: criteria provided, single submitter. Criteria: Ambry Variant Classification Scheme 2023. Collection method: clinical testing. Allele origin: germline.

Blueprint Genetics
Classification: Likely benign. Last evaluated: 2024-11-01. Review status: criteria provided, single submitter. Criteria: ACMG Guidelines, 2015. Collection method: clinical testing. Allele origin: germline.

Department of Pathology and Laboratory Medicine, Sinai Health System
Classification: Likely benign for Dystonia 28, childhood-onset; Intellectual developmental disorder, autosomal dominant 68. Last evaluated: 2023-04-26. Review status: criteria provided, single submitter. Criteria: ACMG Guidelines, 2015. Collection method: research. Allele origin: germline.

GeneDx
Classification: Benign. Last evaluated: 2020-10-19. Review status: criteria provided, single submitter. Criteria: GeneDx Variant Classification Process June 2021. Collection method: clinical testing. Allele origin: germline. Affected: yes.

PreventionGenetics, part of Exact Sciences
Classification: Likely benign for KMT2B-related condition. Last evaluated: 2019-08-13. Review status: no assertion criteria provided. Collection method: clinical testing. Allele origin: germline. Not counted in ClinVar's aggregate classification.
Comment: This variant is classified as likely benign based on ACMG/AMP sequence variant interpretation guidelines (Richards et al. 2015 PMID: 25741868, with internal and published modifications).

Clinical Genetics DNA and cytogenetics Diagnostics Lab, Erasmus MC, Erasmus Medical Center
Classification: Likely benign. Review status: no assertion criteria provided. Collection method: clinical testing. Allele origin: germline. Affected: yes. Study: VKGL Data-share Consensus. Not counted in ClinVar's aggregate classification.

Diagnostic Laboratory, Department of Genetics, University Medical Center Groningen
Classification: Likely benign. Review status: no assertion criteria provided. Collection method: clinical testing. Allele origin: germline. Affected: yes. Study: VKGL Data-share Consensus. Not counted in ClinVar's aggregate classification.

NM_014727.3(KMT2B):c.2268_2279dup (p.Gln759_Pro762dup)

Gene: KMT2B (lysine methyltransferase 2B; plus strand). Cytogenetic location: 19q13.12.
Variant type: Duplication.
Coding change: c.2268_2279dup on transcript NM_014727.3 (MANE Select); coding-DNA positions 2268 to 2279, 12 bases duplicated (ACAGCCACAGCT).
Protein change: p.Gln759_Pro762dup.
Molecular consequence: inframe insertion.
Genome position (GRCh38, 1-based): chr19:35,721,615-35,721,626, ACAGCCACAGCT duplicated. VCF-style (leftmost placement, unchanged base first): chr19-35721614-C-CACAGCCACAGCT. GRCh37 (hg19) VCF-style: chr19-36212516-C-CACAGCCACAGCT.
Other names: c.2268_2279dup12 (NM_014727.2); c.2268_2279dupACAGCCACAGCT (NM_014727.1).
Identifiers: ClinVar variation 808518 (VCV000808518.55), dbSNP rs564202766, ClinGen allele CA9384388.
Genomic context (GRCh38, chr19:35,721,614, plus strand): 5'-AGCTACTGCAGCCCCTGCAGGCCTTGCAAACCCAGCTCCTGCCCCAGGCACTACCGCCAC[C>CACAGCCACAGCT]ACAGCCACAGCTGCAGCCACCGCCGTCACCACAGCAGATGCCTCCCCTGGAAAAAGCCCG-3'